The following is an entry in ClinVar:

ClinVar aggregate classification (germline): Uncertain significance (0 of 4 stars; one submission).

Conditions:
NEBL-related disorder. Also called: NEBL-related condition.

Submission:

PreventionGenetics, part of Exact Sciences
Classification: Uncertain significance for NEBL-related condition. Last evaluated: 2024-07-29. Review status: no assertion criteria provided. Collection method: clinical testing. Allele origin: germline.
Comment: The NEBL c.2171G>A variant is predicted to result in the amino acid substitution p.Gly724Glu. To our knowledge, this variant has not been reported in the literature or in a large population database, indicating this variant is rare. At this time, the clinical significance of this variant is uncertain due to the absence of conclusive functional and genetic evidence.

NM_006393.3(NEBL):c.2171G>A (p.Gly724Glu)

Gene: NEBL (nebulette; minus strand). Cytogenetic location: 10p12.31.
Variant type: single nucleotide variant.
Coding change: c.2171G>A on transcript NM_006393.3 (MANE Select); coding-DNA position 2171, G replaced by A.
Protein change: p.Gly724Glu; replaces glycine 724 with glutamic acid.
Molecular consequence: missense variant. On other transcripts: intron variant (9).
Genome position (GRCh38, 1-based): chr10:20,815,695, C>T on the plus strand (G>A on the coding strand, the complement: NEBL is on the minus strand). VCF-style: chr10-20815695-C-T. GRCh37 (hg19) VCF-style: chr10-21104624-C-T.
Other names: c.250-2755G>A (NM_001377326.1, NM_001377327.1, NM_001377328.1); c.358-2755G>A (NM_213569.2, NM_001173484.2, NM_001377322.1); c.301-2755G>A (NM_001377324.1); c.292-2755G>A (NM_001377325.1); c.310-2755G>A (NM_001377323.1); short protein forms G724E.
Identifiers: ClinVar variation 3353724 (VCV003353724.1).